The following is an entry in ClinVar:

ClinVar aggregate classification (germline): Pathogenic (1 of 4 stars; one submission).

Submission:

CeGaT Center for Human Genetics Tuebingen
Classification: Pathogenic. Last evaluated: 2026-07-01. Review status: criteria provided, single submitter. Criteria: CeGaT Center For Human Genetics Tuebingen Variant Classification Criteria Version 2. Collection method: clinical testing. Allele origin: germline. Affected: yes. Observed: 1 variant allele.
Comment: ATP7B: PVS1, PM2, PM3

NM_000053.4(ATP7B):c.2575+2T>C

Gene: ATP7B (ATPase copper transporting beta; minus strand). Cytogenetic location: 13q14.3.
Variant type: single nucleotide variant.
Coding change: c.2575+2T>C on transcript NM_000053.4 (MANE Select); the canonical splice donor site of the intron after coding-DNA position 2575, T replaced by C.
Molecular consequence: splice donor variant. On other transcripts: intron variant (1).
Genome position (GRCh38, 1-based): chr13:51,950,270, A>G on the plus strand (T>C on the coding strand, the complement: ATP7B is on the minus strand). VCF-style: chr13-51950270-A-G. GRCh37 (hg19) VCF-style: chr13-52524406-A-G.
Other names: c.2089+2T>C (NM_001406541.1, NM_001005918.3, NM_001406546.1 and 1 more transcripts); c.2323+2T>C (NM_001406531.1, NM_001406532.1, NM_001406540.1 and 1 more transcripts); c.2341+2T>C (NM_001406527.1, NM_001406528.1, NM_001406534.1 and 2 more transcripts); c.2431+2T>C (NM_001406537.1, NM_001406521.1, NM_001406522.1 and 1 more transcripts); c.2575+2T>C (NM_001406513.1, NM_001406511.1, NM_001406516.1 and 7 more transcripts); c.2227+2T>C (NM_001406543.1); c.2242+2T>C (NM_001243182.2); c.1286-109T>C (NM_001406548.1); and 8 more.
Identifiers: ClinVar variation 5039684 (VCV005039684.1).
Genomic context (GRCh38, chr13:51,950,270, plus strand): 5'-CTCATGTGACCTGACAGCTGCTATGATATCCTCCTGAGGGAACATGAAACAAGCCATCTC[A>G]CCTGTGATGAGGGACTCATCAGCCATGGTATTGCCTTCCAGGACTTTCCCATCCACTGGA-3'